The following is an entry in ClinVar:

ClinVar aggregate classification (germline): Uncertain significance. Review status: criteria provided, multiple submitters, no conflicts (2 of 4 stars). 4 submissions from 4 submitters: Uncertain significance (4). Last evaluated 2026-05-07.

Conditions:
Familial thoracic aortic aneurysm and aortic dissection (TAAD). Also called: Thoracic aortic aneurysms and dissections. Identifiers: Orphanet 91387, MedGen C4707243, MONDO:0019625.
Ehlers-Danlos syndrome, classic type, 1 (EDSCL1). Also called: Ehlers-Danlos Syndrome, Classic Type, COL5A1-Related; EDS I; Ehlers-Danlos syndrome, type 1; EHLERS-DANLOS SYNDROME, GRAVIS TYPE; EHLERS-DANLOS SYNDROME, SEVERE CLASSIC TYPE. Identifiers: MedGen C0268335, MONDO:0019567, OMIM 130000.

Allele frequency attached by ClinVar (database versions not stated): gnomAD exomes 0.00001; gnomAD 0.00001; TOPMed 0.00001.
gnomAD v4.1: 16 of 1,606,380 alleles (0.001%); highest among the groups gnomAD compares: Non-Finnish European, 0.0012%; no homozygotes.

Submissions (4):

Women's Health and Genetics/Laboratory Corporation of America, LabCorp
Classification: Uncertain significance. Last evaluated: 2026-05-07. Review status: criteria provided, single submitter. Criteria: LabCorp Variant Classification Summary - May 2015. Collection method: clinical testing. Allele origin: germline.
Comment: Variant summary: COL5A2 c.490C>G (p.Pro164Ala) results in a non-conservative amino acid change in the encoded protein sequence. Algorithms developed to predict the effect of missense changes on protein structure and function all suggest that this variant is likely to be disruptive. The frequency data for this variant in gnomAD is considered unreliable, as metrics indicate poor data quality at this position. c.490C>G has been observed in one individual affected with classical Ehlers-Danlos syndrome (Leone_2023). The report does not provide unequivocal conclusions about association of the variant with Ehlers-Danlos syndrome, classic type, 2. To our knowledge, no experimental evidence demonstrating an impact on protein function has been reported. The following publication have been ascertained in the context of this evaluation (PMID: 37079061). ClinVar contains an entry for this variant (Variation ID: 519675). Based on the evidence outlined above, the variant was classified as uncertain significance.

Ambry Genetics
Classification: Uncertain significance for Familial thoracic aortic aneurysm and aortic dissection. Last evaluated: 2026-03-11. Review status: criteria provided, single submitter. Criteria: Ambry Variant Classification Scheme 2023. Collection method: clinical testing. Allele origin: germline.

Labcorp Genetics (formerly Invitae), Labcorp
Classification: Uncertain significance for Ehlers-Danlos syndrome, classic type, 1. Last evaluated: 2025-09-03. Review status: criteria provided, single submitter. Criteria: Invitae Variant Classification Sherloc (09022015). Collection method: clinical testing. Allele origin: germline.
Comment: This sequence change replaces proline, which is neutral and non-polar, with alanine, which is neutral and non-polar, at codon 164 of the COL5A2 protein (p.Pro164Ala). This variant is not present in population databases (gnomAD no frequency). This missense change has been observed in individual(s) with Ehlers-Danlos syndrome (PMID: 37079061). ClinVar contains an entry for this variant (Variation ID: 519675). Invitae Evidence Modeling of protein sequence and biophysical properties (such as structural, functional, and spatial information, amino acid conservation, physicochemical variation, residue mobility, and thermodynamic stability) indicates that this missense variant is not expected to disrupt COL5A2 protein function with a negative predictive value of 80%. In summary, the available evidence is currently insufficient to determine the role of this variant in disease. Therefore, it has been classified as a Variant of Uncertain Significance.

GeneDx
Classification: Uncertain significance. Last evaluated: 2022-09-01. Review status: criteria provided, single submitter. Criteria: GeneDx Variant Classification Process June 2021. Collection method: clinical testing. Allele origin: germline. Affected: yes.
Comment: Has not been previously published as pathogenic or benign to our knowledge; Not observed at significant frequency in large population cohorts (gnomAD); In silico analysis supports that this missense variant has a deleterious effect on protein structure/function; Not located in the triple helical region, where the majority of pathogenic missense variants occur (Symoens et al., 2012; HGMD)

Literature cited by the submitters: PubMed 37079061 (cited by Women's Health and Genetics/Laboratory Corporation of America, LabCorp and Labcorp Genetics (formerly Invitae), Labcorp).

NM_000393.5(COL5A2):c.490C>G (p.Pro164Ala)

Gene: COL5A2 (collagen type V alpha 2 chain; minus strand). Cytogenetic location: 2q32.2.
Variant type: single nucleotide variant.
Coding change: c.490C>G on transcript NM_000393.5 (MANE Select); coding-DNA position 490, C replaced by G.
Protein change: p.Pro164Ala; replaces proline 164 with alanine.
Molecular consequence: missense variant.
Genome position (GRCh38, 1-based): chr2:189,092,387, G>C on the plus strand (C>G on the coding strand, the complement: COL5A2 is on the minus strand). VCF-style: chr2-189092387-G-C. GRCh37 (hg19) VCF-style: chr2-189957113-G-C.
Other names: short protein forms P164A.
Identifiers: ClinVar variation 519675 (VCV000519675.17), dbSNP rs1218677057, ClinGen allele CA349861647.